The following is an entry in ClinVar:

ClinVar aggregate classification (germline): Uncertain significance. Review status: criteria provided, multiple submitters, no conflicts (2 of 4 stars). 2 submissions from 2 submitters: Uncertain significance (2). Last evaluated 2025-09-01.

Conditions:
Inborn genetic diseases. Identifiers: MedGen C0950123, MeSH D030342.

Allele frequency attached by ClinVar (database versions not stated): gnomAD exomes below 0.00001; TOPMed below 0.00001.
gnomAD v4.1: 3 of 1,613,866 alleles (0.00019%); highest among the groups gnomAD compares: Non-Finnish European, 0.00025%; no homozygotes.

Submissions (2):

Ambry Genetics
Classification: Uncertain significance for Inborn genetic diseases. Last evaluated: 2025-09-01. Review status: criteria provided, single submitter. Criteria: Ambry Variant Classification Scheme 2023. Collection method: clinical testing. Allele origin: germline.

Labcorp Genetics (formerly Invitae), Labcorp
Classification: Uncertain significance. Last evaluated: 2024-06-03. Review status: criteria provided, single submitter. Criteria: Invitae Variant Classification Sherloc (09022015). Collection method: clinical testing. Allele origin: germline.
Comment: This sequence change replaces aspartic acid, which is acidic and polar, with asparagine, which is neutral and polar, at codon 1343 of the FAT4 protein (p.Asp1343Asn). This variant is present in population databases (no rsID available, gnomAD 0.0009%). This variant has not been reported in the literature in individuals affected with FAT4-related conditions. ClinVar contains an entry for this variant (Variation ID: 1931794). Advanced modeling of protein sequence and biophysical properties (such as structural, functional, and spatial information, amino acid conservation, physicochemical variation, residue mobility, and thermodynamic stability) has been performed at Invitae for this missense variant, however the output from this modeling did not meet the statistical confidence thresholds required to predict the impact of this variant on FAT4 protein function. In summary, the available evidence is currently insufficient to determine the role of this variant in disease. Therefore, it has been classified as a Variant of Uncertain Significance.

NM_001291303.3(FAT4):c.4027G>A (p.Asp1343Asn)

Gene: FAT4 (FAT atypical cadherin 4; plus strand). Cytogenetic location: 4q28.1.
Variant type: single nucleotide variant.
Coding change: c.4027G>A on transcript NM_001291303.3 (MANE Select); coding-DNA position 4027, G replaced by A.
Protein change: p.Asp1343Asn; replaces aspartic acid 1343 with asparagine.
Molecular consequence: missense variant.
Genome position (GRCh38, 1-based): chr4:125,320,438, G>A. VCF-style: chr4-125320438-G-A. GRCh37 (hg19) VCF-style: chr4-126241593-G-A.
Other names: c.4027G>A, p.Asp1343Asn (NM_001291285.3, NM_024582.6); c.4027G>A (NM_024582.4); short protein forms D1343N.
Identifiers: ClinVar variation 1931794 (VCV001931794.6), dbSNP rs1390670394, ClinGen allele CA358125418.
Genomic context (GRCh38, chr4:125,320,438, plus strand): 5'-GATGTTTTGGAAAACATGAGAATTGGTGAACTCGTGTCCTCTGTTACTGCAACTGATTCC[G>A]ATTCAGGTGACAATGCTGATTTATATTACAGTATTACTGGGACTAACAACCACGGAACTT-3'
Protein context (NP_001278232.1, residues 1333-1353): LVSSVTATDS[Asp1343Asn]SGDNADLYYS